The following is an entry in ClinVar:

NM_004415.4(DSP):c.1045-8T>C

Gene: DSP (desmoplakin; plus strand). Cytogenetic location: 6p24.3.
Variant type: single nucleotide variant.
Coding change: c.1045-8T>C on transcript NM_004415.4 (MANE Select); 8 bases into the intron before coding-DNA position 1045, T replaced by C.
Molecular consequence: intron variant.
Genome position (GRCh38, 1-based): chr6:7,567,346, T>C. VCF-style: chr6-7567346-T-C. GRCh37 (hg19) VCF-style: chr6-7567579-T-C.
Other names: c.1045-8T>C (NM_004415.3, LRG_423t1, NM_001319034.2 and 1 more transcripts).
Identifiers: ClinVar variation 380280 (VCV000380280.16), dbSNP rs201633815, ClinGen allele CA026879.

ClinVar aggregate classification (germline): Likely benign. Review status: criteria provided, multiple submitters, no conflicts (2 of 4 stars). 5 submissions from 5 submitters: Likely benign (5). Last evaluated 2026-03-27.

Conditions:
Arrhythmogenic cardiomyopathy with wooly hair and keratoderma. Also called: PALMOPLANTAR KERATODERMA WITH LEFT VENTRICULAR CARDIOMYOPATHY AND WOOLLY HAIR; Arrhythmogenic cardiomyopathy with woolly hair and keratoderma; Carvajal syndrome; Dilated cardiomyopathy with woolly hair and keratoderma. Identifiers: Orphanet 65282, MedGen C1854063, MONDO:0011581, OMIM 605676.
Arrhythmogenic right ventricular dysplasia 8 (ARVD8). Also called: Arrhythmogenic Right Ventricular Dysplasia/Cardiomyopathy 8; ARRHYTHMOGENIC RIGHT VENTRICULAR DYSPLASIA, FAMILIAL, 8; ARRHYTHMOGENIC RIGHT VENTRICULAR CARDIOMYOPATHY 8. Identifiers: MedGen C1843896, MONDO:0011831, OMIM 607450.
Cardiomyopathy (CMYO). Also called: Cardiomyopathies. Identifiers: Orphanet 167848, MedGen C0878544, MONDO:0004994, HP:0001638. Inheritance: Various modes of inheritance.

Allele frequency attached by ClinVar (database versions not stated): TOPMed 0.00004; ExAC 0.00001; gnomAD 0.00003; gnomAD exomes 0.00004.
gnomAD v4.1: 86 of 1,612,920 alleles (0.0053%); highest among the groups gnomAD compares: Non-Finnish European, 0.007%; no homozygotes.

Submissions (5):

Molecular Diagnostic Laboratory for Inherited Cardiovascular Disease, Montreal Heart Institute
Classification: Likely benign. Last evaluated: 2026-03-27. Review status: criteria provided, single submitter. Criteria: ACMG Guidelines, 2015. Collection method: clinical testing. Allele origin: germline. Affected: no.
Comment: PM2;BP5

Labcorp Genetics (formerly Invitae), Labcorp
Classification: Likely benign for Arrhythmogenic cardiomyopathy with wooly hair and keratoderma; Arrhythmogenic right ventricular dysplasia 8. Last evaluated: 2025-08-06. Review status: criteria provided, single submitter. Criteria: Invitae Variant Classification Sherloc (09022015). Collection method: clinical testing. Allele origin: germline.

All of Us Research Program, National Institutes of Health
Classification: Likely benign for Arrhythmogenic cardiomyopathy with wooly hair and keratoderma. Last evaluated: 2023-11-30. Review status: criteria provided, single submitter. Criteria: ACMG Guidelines, 2015. Collection method: clinical testing. Allele origin: germline. Inheritance: Autosomal dominant inheritance. Observed: 11 variant alleles, 11 heterozygotes.
Comment: This study involves interpretation of variants in research participants for the purpose of population health screening. Participant phenotype was not available at the time of variant classification. Additional details can be found in publication PMID: 35346344, PMCID: PMC8962531

Color Diagnostics, LLC DBA Color Health
Classification: Likely benign for Cardiomyopathy. Last evaluated: 2018-06-25. Review status: criteria provided, single submitter. Criteria: ACMG Guidelines, 2015. Collection method: clinical testing. Allele origin: germline.

GeneDx
Classification: Likely benign. Last evaluated: 2017-06-27. Review status: criteria provided, single submitter. Criteria: GeneDx Variant Classification (06012015). Collection method: clinical testing. Allele origin: germline. Affected: yes.
Comment: This variant is considered likely benign or benign based on one or more of the following criteria: it is a conservative change, it occurs at a poorly conserved position in the protein, it is predicted to be benign by multiple in silico algorithms, and/or has population frequency not consistent with disease.